The following is an entry in ClinVar:

NM_001754.5(RUNX1):c.567C>G (p.Tyr189Ter)

Genes: RUNX1-AS1 (RUNX1 antisense RNA 1; plus strand), RUNX1 (RUNX family transcription factor 1; minus strand). Cytogenetic location: 21q22.12.
Variant type: single nucleotide variant.
Coding change: c.567C>G on transcript NM_001754.5 (MANE Select); coding-DNA position 567, C replaced by G.
Protein change: p.Tyr189Ter; replaces tyrosine 189 with a stop codon.
Molecular consequence: nonsense.
Genome position (GRCh38, 1-based): chr21:34,859,520, G>C on the plus strand (C>G on the coding strand, the complement: RUNX1 is on the minus strand). VCF-style: chr21-34859520-G-C. GRCh37 (hg19) VCF-style: chr21-36231817-G-C.
Other names: NM_001754.5(RUNX1):c.567C>G; p.Tyr189Ter; c.486C>G, p.Tyr162Ter (NM_001001890.3, NM_001122607.2); short protein forms Y189*, Y162*.
Identifiers: ClinVar variation 561248 (VCV000561248.4), dbSNP rs1569061831, ClinGen allele CA410208033.

ClinVar aggregate classification (germline): Pathogenic. Review status: reviewed by expert panel (3 of 4 stars). 2 submissions from 2 submitters: Pathogenic (1). 1 of the submissions does not count toward it. Last evaluated 2024-03-26.

Conditions:
Hereditary thrombocytopenia and hematologic cancer predisposition syndrome. Identifiers: Orphanet 71290, MedGen CN281654, MONDO:0011071.

Submissions (2):

ClinGen Myeloid Malignancy Variant Curation Expert Panel
Classification: Pathogenic for Hereditary thrombocytopenia and hematologic cancer predisposition syndrome. Last evaluated: 2024-03-26. Review status: reviewed by expert panel. Criteria: ClinGen MyeloMalig ACMG Specifications v2. Collection method: curation. Allele origin: germline. Inheritance: Autosomal dominant inheritance.
Comment: The c.567C>G (Tyr189Ter) variant is a nonsense variant that is predicted to introduce a premature stop codon in exon 5/8 and expected to result in nonsense-mediated mRNA decay (PVS1). This variant is completely absent from all population databases with at least 20x coverage for RUNX1 (PM2_supporting). This variant has been reported in one proband meeting at least one of the RUNX1- phenotypic criteria (PS4_ Supporting; PMID: 31309983). This variant is a nonsense/frameshift variants that is downstream of c.98 (PM5_Supporting). In summary, this variant meets criteria to be classified as pathogenic. ACMG/AMP criteria applied, as specified by the Myeloid Malignancy Variant Curation Expert Panel for RUNX1: PVS1, PM2_supporting, PS4_Supporting, PM5_supporting.

PreventionGenetics, part of Exact Sciences
Classification: Pathogenic. Last evaluated: 2018-07-12. Review status: criteria provided, single submitter. Criteria: ACMG Guidelines, 2015. Collection method: clinical testing. Allele origin: germline. Not counted in ClinVar's aggregate classification.